The following is an entry in ClinVar:

ClinVar aggregate classification (germline): Uncertain significance (1 of 4 stars; one submission).

gnomAD v4.1: 2 of 1,614,202 alleles (0.00012%); highest among the groups gnomAD compares: Non-Finnish European, 0.00017%; no homozygotes.

Submission:

GeneDx
Classification: Uncertain significance. Last evaluated: 2023-06-08. Review status: criteria provided, single submitter. Criteria: GeneDx Variant Classification Process June 2021. Collection method: clinical testing. Allele origin: germline. Affected: yes.
Comment: Not observed at significant frequency in large population cohorts (gnomAD); In silico analysis supports that this missense variant has a deleterious effect on protein structure/function; Has not been previously published as pathogenic or benign to our knowledge

NM_001378454.1(ALMS1):c.12202C>G (p.Leu4068Val)

Genes: ALMS1 (ALMS1 centrosome and basal body associated protein; plus strand), LOC126806252 (BRD4-independent group 4 enhancer GRCh37_chr2:73828496-73829695; plus strand). Cytogenetic location: 2p13.1.
Variant type: single nucleotide variant.
Coding change: c.12202C>G on transcript NM_001378454.1 (MANE Select); coding-DNA position 12202, C replaced by G.
Protein change: p.Leu4068Val; replaces leucine 4068 with valine.
Molecular consequence: missense variant.
Genome position (GRCh38, 1-based): chr2:73,602,272, C>G. VCF-style: chr2-73602272-C-G. GRCh37 (hg19) VCF-style: chr2-73829399-C-G.
Other names: c.12205C>G, p.Leu4069Val (NM_015120.4); short protein forms L4068V, L4069V.
Identifiers: ClinVar variation 3359811 (VCV003359811.1).